The following is an entry in ClinVar:

ClinVar aggregate classification (germline): Pathogenic. Review status: criteria provided, multiple submitters, no conflicts (2 of 4 stars). 3 submissions from 3 submitters: Pathogenic (2). 1 of the submissions does not count toward it. Last evaluated 2023-05-28.

Conditions:
ABCC2-related disorder. Also called: ABCC2-related condition.

Allele frequency attached by ClinVar (database versions not stated): gnomAD exomes below 0.00001; gnomAD 0.00001.

Submissions (3):

Labcorp Genetics (formerly Invitae), Labcorp
Classification: Pathogenic. Last evaluated: 2023-05-28. Review status: criteria provided, single submitter. Criteria: Invitae Variant Classification Sherloc (09022015). Collection method: clinical testing. Allele origin: germline.
Comment: This sequence change creates a premature translational stop signal (p.Ile754Leufs*6) in the ABCC2 gene. It is expected to result in an absent or disrupted protein product. Loss-of-function variants in ABCC2 are known to be pathogenic (PMID: 9185779, 16549534, 16952291). This variant is not present in population databases (gnomAD no frequency). This premature translational stop signal has been observed in individual(s) with Dubin-Johnson syndrome (PMID: 31544333). ClinVar contains an entry for this variant (Variation ID: 593171). For these reasons, this variant has been classified as Pathogenic.

Eurofins Ntd Llc (ga)
Classification: Pathogenic. Last evaluated: 2017-07-10. Review status: criteria provided, single submitter. Criteria: EGL Classification Definitions 2015. Collection method: clinical testing. Allele origin: germline. Observed: 1 variant allele, 1 heterozygote.

PreventionGenetics, part of Exact Sciences
Classification: Likely pathogenic for ABCC2-related condition. Last evaluated: 2024-05-31. Review status: no assertion criteria provided. Collection method: clinical testing. Allele origin: germline. Not counted in ClinVar's aggregate classification.
Comment: The ABCC2 c.2260delA variant is predicted to result in a frameshift and premature protein termination (p.Ile754Leufs*6). This variant was reported in the homozygous state in an individual with Dubin-Johnson syndrome (Patient 5, Corpechot et al. 2019. PubMed ID: 31544333). This variant has not been reported in a large population database, indicating this variant is rare. Frameshift variants in ABCC2 are expected to be pathogenic. This variant is interpreted as likely pathogenic.

Literature cited by the submitters: PubMed 9185779 (cited by Labcorp Genetics (formerly Invitae), Labcorp); PubMed 16549534 (cited by Labcorp Genetics (formerly Invitae), Labcorp); PubMed 16952291 (cited by Labcorp Genetics (formerly Invitae), Labcorp); PubMed 31544333 (cited by Labcorp Genetics (formerly Invitae), Labcorp).

NM_000392.5(ABCC2):c.2260del (p.Ile754fs)

Gene: ABCC2 (ATP binding cassette subfamily C member 2; plus strand). Cytogenetic location: 10q24.2.
Variant type: Deletion.
Coding change: c.2260del on transcript NM_000392.5 (MANE Select); coding-DNA position 2260, one base deleted (A; older notation c.2260delA).
Protein change: p.Ile754fs; shifts the reading frame from isoleucine 754.
Molecular consequence: frameshift variant.
Genome position (GRCh38, 1-based): chr10:99,817,473, A deleted. VCF-style (leftmost placement, unchanged base first): chr10-99817472-GA-G. GRCh37 (hg19) VCF-style: chr10-101577229-GA-G.
Other names: c.2260delA (NM_000392.4); c.2260del, p.Ile754fs (LRG_1208t1); short protein forms I754fs.
Identifiers: ClinVar variation 593171 (VCV000593171.10), dbSNP rs1564687941, ClinGen allele CA913190046.